The following is an entry in ClinVar:

NM_025114.4(CEP290):c.2367+4T>C

Gene: CEP290 (centrosomal protein 290; minus strand). Cytogenetic location: 12q21.32.
Variant type: single nucleotide variant.
Coding change: c.2367+4T>C on transcript NM_025114.4 (MANE Select); 4 bases into the intron after coding-DNA position 2367, T replaced by C.
Molecular consequence: intron variant.
Genome position (GRCh38, 1-based): chr12:88,111,198, A>G on the plus strand (T>C on the coding strand, the complement: CEP290 is on the minus strand). VCF-style: chr12-88111198-A-G. GRCh37 (hg19) VCF-style: chr12-88504975-A-G.
Identifiers: ClinVar variation 530923 (VCV000530923.11), dbSNP rs1413934261, ClinGen allele CA606445521.

ClinVar aggregate classification (germline): Uncertain significance. Review status: criteria provided, multiple submitters, no conflicts (2 of 4 stars). 3 submissions from 3 submitters: Uncertain significance (2). 1 of the submissions does not count toward it. Last evaluated 2024-05-22.

Conditions:
Meckel-Gruber syndrome. Also called: DYSENCEPHALIA SPLANCHNOCYSTICA; GRUBER SYNDROME; Dysencephalia splachnocystica. Identifiers: Orphanet 564, MedGen C0265215, MONDO:0018921.
Joubert syndrome. Also called: CEREBELLOPARENCHYMAL DISORDER IV; JOUBERT-BOLTSHAUSER SYNDROME; Familial aplasia of the vermis. Identifiers: Orphanet 475, MedGen C5979921, MONDO:0018772.
Nephronophthisis. Also called: Juvenile Nephronophthisis. Identifiers: Orphanet 655, MedGen C0687120, MONDO:0019005, HP:0000090.
Senior-Loken syndrome 6 (SLSN6). Identifiers: Orphanet 3156, MedGen C1857779, MONDO:0012433, OMIM 610189.
Bardet-Biedl syndrome 14 (BBS14). Identifiers: Orphanet 110, MedGen C2673874, MONDO:0014442, OMIM 615991.
Leber congenital amaurosis 10 (LCA10). Identifiers: Orphanet 65, MedGen C1857821, MONDO:0012723, OMIM 611755.
Meckel syndrome, type 4 (MKS4). Also called: MECKEL-GRUBER SYNDROME, TYPE 4. Identifiers: Orphanet 564, MedGen C1970161, MONDO:0012626, OMIM 611134.
Joubert syndrome 5 (JBTS5). Identifiers: Orphanet 2318, MedGen C1857780, MONDO:0012432, OMIM 610188.
CEP290-related disorder. Also called: CEP290-related condition; CEP290-related disorders. Identifiers: MedGen CN239314.

Allele frequency attached by ClinVar (database versions not stated): TOPMed below 0.00001; gnomAD 0.00001 and 0.00003.

Submissions (3):

Fulgent Genetics
Classification: Uncertain significance for Joubert syndrome 5; Senior-Loken syndrome 6; Meckel syndrome, type 4; Leber congenital amaurosis 10; Bardet-Biedl syndrome 14. Last evaluated: 2024-05-22. Review status: criteria provided, single submitter. Criteria: ACMG Guidelines, 2015. Collection method: clinical testing. Allele origin: germline.

Labcorp Genetics (formerly Invitae), Labcorp
Classification: Uncertain significance for Joubert syndrome; Meckel-Gruber syndrome; Nephronophthisis. Last evaluated: 2021-08-28. Review status: criteria provided, single submitter. Criteria: Invitae Variant Classification Sherloc (09022015). Collection method: clinical testing. Allele origin: germline.
Comment: This sequence change falls in intron 22 of the CEP290 gene. It does not directly change the encoded amino acid sequence of the CEP290 protein. It affects a nucleotide within the consensus splice site of the intron. This variant is not present in population databases (ExAC no frequency). This variant has not been reported in the literature in individuals affected with CEP290-related conditions. ClinVar contains an entry for this variant (Variation ID: 530923). Variants that disrupt the consensus splice site are a relatively common cause of aberrant splicing (PMID: 17576681, 9536098). Algorithms developed to predict the effect of sequence changes on RNA splicing suggest that this variant is not likely to affect RNA splicing. In summary, the available evidence is currently insufficient to determine the role of this variant in disease. Therefore, it has been classified as a Variant of Uncertain Significance.

PreventionGenetics, part of Exact Sciences
Classification: Likely benign for CEP290-related condition. Last evaluated: 2023-05-31. Review status: no assertion criteria provided. Collection method: clinical testing. Allele origin: germline. Not counted in ClinVar's aggregate classification.
Comment: This variant is classified as likely benign based on ACMG/AMP sequence variant interpretation guidelines (Richards et al. 2015 PMID: 25741868, with internal and published modifications).

Literature cited by the submitters: PubMed 17576681 (cited by Labcorp Genetics (formerly Invitae), Labcorp); PubMed 9536098 (cited by Labcorp Genetics (formerly Invitae), Labcorp).